The following is an entry in ClinVar:

NM_080680.3(COL11A2):c.-200G>A

Gene: COL11A2 (collagen type XI alpha 2 chain; minus strand). Cytogenetic location: 6p21.32.
Variant type: single nucleotide variant.
Coding change: c.-200G>A on transcript NM_080680.3 (MANE Select); 200 bases upstream of the start codon, G replaced by A.
Molecular consequence: 5 prime UTR variant.
Genome position (GRCh38, 1-based): chr6:33,192,440, C>T on the plus strand (G>A on the coding strand, the complement: COL11A2 is on the minus strand). VCF-style: chr6-33192440-C-T. GRCh37 (hg19) VCF-style: chr6-33160217-C-T.
Other names: c.-200G>A (NM_001163771.2, NM_080679.3, NM_080681.3).
Identifiers: ClinVar variation 356415 (VCV000356415.8), dbSNP rs144092339, ClinGen allele CA10623669.
Genomic context (GRCh38, chr6:33,192,440, plus strand): 5'-GACAGCTGTCAGCGGCCCAGCTCCATGCAGCAAGGCGCCGTCGGGGCTCCCGGCACTGCT[C>T]CCTCCTCGGTGGCTGCCGCTTCTGTGTGTCCCCGGCCACCCTGGCGCCCAGAGCCCCCAC-3'

ClinVar aggregate classification (germline): Benign/Likely benign. Review status: criteria provided, multiple submitters, no conflicts (2 of 4 stars). 4 submissions from 3 submitters: Benign (3); Likely benign (1). Last evaluated 2018-06-14.

Conditions:
Fibrochondrogenesis 2 (FBCG2). Identifiers: Orphanet 2021, MedGen C3281128, MONDO:0013795, OMIM 614524.
Otospondylomegaepiphyseal dysplasia, autosomal recessive (OSMEDB). Also called: CHONDRODYSTROPHY WITH SENSORINEURAL DEAFNESS; Insley-Astley syndrome. Identifiers: Orphanet 1427, MedGen CN034493, MONDO:0044206, OMIM 215150.

Allele frequency attached by ClinVar (database versions not stated): 1000 Genomes Project 30x 0.01312; 1000 Genomes Project 0.01378; TOPMed 0.01694; gnomAD 0.02842 and 0.02950; gnomAD exomes 0.03273.
gnomAD v4.1: 19,192 of 613,210 alleles (3.1%); highest among the groups gnomAD compares: Non-Finnish European, 3.1%; 638 homozygotes.

Submissions (4):

GeneDx
Classification: Benign. Last evaluated: 2018-06-14. Review status: criteria provided, single submitter. Criteria: GeneDx Variant Classification (06012015). Collection method: clinical testing. Allele origin: germline. Affected: yes.
Comment: This variant is considered likely benign or benign based on one or more of the following criteria: it is a conservative change, it occurs at a poorly conserved position in the protein, it is predicted to be benign by multiple in silico algorithms, and/or has population frequency not consistent with disease.

Illumina Laboratory Services, Illumina
Classification: Benign for Fibrochondrogenesis 2. Last evaluated: 2018-01-13. Review status: criteria provided, single submitter. Criteria: ICSL Variant Classification Criteria 13 December 2019. Collection method: clinical testing. Allele origin: germline.
Comment: This variant was observed in the ICSL laboratory as part of a predisposition screen in an ostensibly healthy population. It had not been previously curated by ICSL or reported in the Human Gene Mutation Database (HGMD: prior to June 1st, 2018), and was therefore a candidate for classification through an automated scoring system. Utilizing variant allele frequency, disease prevalence and penetrance estimates, and inheritance mode, an automated score was calculated to assess if this variant is too frequent to cause the disease. Based on the score and internal cut-off values, a variant classified as benign is not then subjected to further curation. The score for this variant resulted in a classification of benign for this disease.

Illumina Laboratory Services, Illumina
Classification: Benign for Otospondylomegaepiphyseal dysplasia, autosomal recessive. Last evaluated: 2018-01-13. Review status: criteria provided, single submitter. Criteria: ICSL Variant Classification Criteria 13 December 2019. Collection method: clinical testing. Allele origin: germline.
Comment: the same text as in the submission from Illumina Laboratory Services, Illumina above.

Breakthrough Genomics
Classification: Likely benign. Review status: criteria provided, single submitter. Criteria: ACMG Guidelines, 2015. Collection method: not provided. Allele origin: germline. Inheritance: Autosomal recessive inheritance. Affected: yes.